The following is an entry in ClinVar:

NM_000059.4(BRCA2):c.5729dup (p.Asn1910fs)

Gene: BRCA2 (BRCA2 DNA repair associated; plus strand). Cytogenetic location: 13q13.1.
Variant type: Duplication.
Coding change: c.5729dup on transcript NM_000059.4 (MANE Select); coding-DNA position 5729, one base duplicated (A; older notation c.5729dupA).
Protein change: p.Asn1910fs; shifts the reading frame from asparagine 1910.
Molecular consequence: frameshift variant. On other transcripts: non-coding transcript variant (1), intron variant (2).
Genome position (GRCh38, 1-based): chr13:32,340,084, A duplicated; the last of 2 consecutive A bases (chr13:32,340,083-32,340,084); duplicating either gives the same sequence. VCF-style (leftmost placement, unchanged base first): chr13-32340082-T-TA. GRCh37 (hg19) VCF-style: chr13-32914219-T-TA.
Other names: c.5729dup, p.Asn1910fs (NM_001406719.1, NM_001406720.1, NM_001432077.1); c.1910-4474dup (NM_001406721.1); c.425-4474dup (NM_001406722.1); c.5729dupA (NM_000059.3); short protein forms N1910fs.
Identifiers: ClinVar variation 4215933 (VCV004215933.1).

ClinVar aggregate classification (germline): Pathogenic (1 of 4 stars; one submission).

Conditions:
Hereditary cancer-predisposing syndrome. Also called: Hereditary Cancer Syndrome; Hereditary neoplastic syndrome; Neoplastic Syndromes, Hereditary; Tumor predisposition. Identifiers: Orphanet 140162, MedGen C0027672, MeSH D009386, MONDO:0015356.

Submission:

Ambry Genetics
Classification: Pathogenic for Hereditary cancer-predisposing syndrome. Last evaluated: 2025-09-03. Review status: criteria provided, single submitter. Criteria: Ambry Variant Classification Scheme 2023. Collection method: clinical testing. Allele origin: germline.
Comment: The c.5729dupA pathogenic mutation, located in coding exon 10 of the BRCA2 gene, results from a duplication of A at nucleotide position 5729, causing a translational frameshift with a predicted alternate stop codon (p.N1910Kfs*2). This variant is considered to be rare based on population cohorts in the Genome Aggregation Database (gnomAD). This alteration is expected to result in loss of function by premature protein truncation or nonsense-mediated mRNA decay. As such, this alteration is interpreted as a disease-causing mutation.